The following is an entry in ClinVar:

ClinVar aggregate classification (germline): Conflicting classifications of pathogenicity. Review status: criteria provided, conflicting classifications (1 of 4 stars). 3 submissions from 3 submitters: Likely pathogenic (2); Uncertain significance (1). Last evaluated 2026-07-01.

Conditions:
Glycogen storage disease, type II (IOPD). Also called: POMPE DISEASE, INFANTILE-ONSET; GLYCOGEN STORAGE DISEASE II, INFANTILE-ONSET; ACID ALPHA-GLUCOSIDASE DEFICIENCY, INFANTILE-ONSET; GAA DEFICIENCY, INFANTILE-ONSET; ACID MALTASE DEFICIENCY, INFANTILE-ONSET; Glucosidase acid-1,4-alpha deficiency. Identifiers: Orphanet 365, MedGen C0017921, MONDO:0009290, OMIM 232300.

Submissions (3):

Genomenon, Inc
Classification: Likely pathogenic for Glycogen storage disease, type II. Last evaluated: 2026-07-01. Review status: criteria provided, single submitter. Criteria: Genomenon Sequence Variant Interpretation Standards - Updated. Collection method: curation. Allele origin: germline. Affected: yes.
Comment: GAA p.Pro217Leu (c.650C>T) is a missense variant that changes the amino acid at codon 217 from Proline to Leucine. This variant has been observed in at least one proband with a GAA-related disorder in the compound heterozygous and/or homozygous state (PMID:19588081;33202836). At least one functional study has demonstrated a substantial alteration in protein function relative to the wild-type (PMID:22644586). It is absent or not present at a significant frequency in gnomAD. In silico models predict that this variant is possibly or probably damaging. In conclusion, we classify GAA p.Pro217Leu (c.650C>T) as a likely pathogenic variant.

GeneDx
Classification: Likely pathogenic. Last evaluated: 2025-07-10. Review status: criteria provided, single submitter. Criteria: GeneDx Variant Classification Process June 2021. Collection method: clinical testing. Allele origin: germline. Affected: yes.
Comment: Published functional studies found this variant is associated with significantly reduced enzyme activity (PMID: 22644586); Not observed at significant frequency in large population cohorts (gnomAD); In silico analysis supports that this missense variant has a deleterious effect on protein structure/function; This variant is associated with the following publications: (PMID: 31254424, 40136631, 19588081, 22644586, 33202836)

Revvity Omics, Revvity
Classification: Uncertain significance. Last evaluated: 2025-06-23. Review status: criteria provided, single submitter. Criteria: ACMG Guidelines, 2015. Collection method: clinical testing. Allele origin: germline.

Literature cited by the submitters: PubMed 19588081 (cited by Genomenon, Inc); PubMed 33202836 (cited by Genomenon, Inc); PubMed 22644586 (cited by Genomenon, Inc).

NM_000152.5(GAA):c.650C>T (p.Pro217Leu)

Gene: GAA (alpha glucosidase; plus strand). Cytogenetic location: 17q25.3.
Variant type: single nucleotide variant.
Coding change: c.650C>T on transcript NM_000152.5 (MANE Select); coding-DNA position 650, C replaced by T.
Protein change: p.Pro217Leu; replaces proline 217 with leucine.
Molecular consequence: missense variant.
Genome position (GRCh38, 1-based): chr17:80,105,852, C>T. VCF-style: chr17-80105852-C-T. GRCh37 (hg19) VCF-style: chr17-78079651-C-T.
Other names: c.650C>T, p.Pro217Leu (NM_001079803.3, NM_001079804.3, NM_001406741.1 and 1 more transcripts); short protein forms P217L.
Identifiers: ClinVar variation 4078718 (VCV004078718.3).